The following is an entry in ClinVar:

ClinVar aggregate classification (germline): Uncertain significance (1 of 4 stars; one submission).

Submission:

GeneDx
Classification: Uncertain significance. Last evaluated: 2024-05-09. Review status: criteria provided, single submitter. Criteria: GeneDx Variant Classification Process June 2021. Collection method: clinical testing. Allele origin: germline. Affected: yes.
Comment: Not observed at significant frequency in large population cohorts (gnomAD); In silico analysis supports that this missense variant has a deleterious effect on protein structure/function; Has not been previously published as pathogenic or benign to our knowledge

NM_001039591.3(USP9X):c.1610A>T (p.Asp537Val)

Gene: USP9X (ubiquitin specific peptidase 9 X-linked; plus strand). Cytogenetic location: Xp11.4.
Variant type: single nucleotide variant.
Coding change: c.1610A>T on transcript NM_001039591.3 (MANE Select); coding-DNA position 1610, A replaced by T.
Protein change: p.Asp537Val; replaces aspartic acid 537 with valine.
Molecular consequence: missense variant.
Genome position (GRCh38, 1-based): chrX:41,148,559, A>T. VCF-style: chrX-41148559-A-T. GRCh37 (hg19) VCF-style: chrX-41007812-A-T.
Other names: c.1610A>T, p.Asp537Val (NM_001039590.3, NM_001410748.1, NM_001410749.1); short protein forms D537V.
Identifiers: ClinVar variation 3378179 (VCV003378179.1).